The following is an entry in ClinVar:

NM_001319074.4(RAX2):c.373G>A (p.Gly125Arg)

Gene: RAX2 (retina and anterior neural fold homeobox 2; minus strand). Cytogenetic location: 19p13.3.
Variant type: single nucleotide variant.
Coding change: c.373G>A on transcript NM_001319074.4 (MANE Select); coding-DNA position 373, G replaced by A.
Protein change: p.Gly125Arg; replaces glycine 125 with arginine.
Molecular consequence: missense variant.
Genome position (GRCh38, 1-based): chr19:3,770,803, C>T on the plus strand (G>A on the coding strand, the complement: RAX2 is on the minus strand). VCF-style: chr19-3770803-C-T. GRCh37 (hg19) VCF-style: chr19-3770801-C-T.
Other names: c.373G>A, p.Gly125Arg (NM_032753.4); short protein forms G125R.
Identifiers: ClinVar variation 956201 (VCV000956201.13), dbSNP rs950155665, ClinGen allele CA304416713.

ClinVar aggregate classification (germline): Uncertain significance. Review status: criteria provided, multiple submitters, no conflicts (2 of 4 stars). 4 submissions from 4 submitters: Uncertain significance (4). Last evaluated 2025-09-28.

Conditions:
RAX2-related disorder. Also called: RAX2-related condition; RAX2-related disorders.

Allele frequency attached by ClinVar (database versions not stated): gnomAD 0.00001; TOPMed 0.00002; gnomAD exomes 0.00003.

Submissions (4):

Ambry Genetics
Classification: Uncertain significance. Last evaluated: 2025-09-28. Review status: criteria provided, single submitter. Criteria: Ambry Variant Classification Scheme 2023. Collection method: clinical testing. Allele origin: germline.

Labcorp Genetics (formerly Invitae), Labcorp
Classification: Uncertain significance. Last evaluated: 2025-05-22. Review status: criteria provided, single submitter. Criteria: Invitae Variant Classification Sherloc (09022015). Collection method: clinical testing. Allele origin: germline.
Comment: This sequence change replaces glycine, which is neutral and non-polar, with arginine, which is basic and polar, at codon 125 of the RAX2 protein (p.Gly125Arg). This variant is present in population databases (no rsID available, gnomAD 0.009%). This variant has not been reported in the literature in individuals affected with RAX2-related conditions. ClinVar contains an entry for this variant (Variation ID: 956201). An algorithm developed to predict the effect of missense changes on protein structure and function (PolyPhen-2) suggests that this variant is likely to be disruptive. In summary, the available evidence is currently insufficient to determine the role of this variant in disease. Therefore, it has been classified as a Variant of Uncertain Significance.

PreventionGenetics, part of Exact Sciences
Classification: Uncertain significance for RAX2-related condition. Last evaluated: 2025-03-07. Review status: criteria provided, single submitter. Criteria: ACMG Guidelines, 2015. Collection method: clinical testing. Allele origin: germline.
Comment: The RAX2 c.373G>A variant is predicted to result in the amino acid substitution p.Gly125Arg. To our knowledge, this variant has not been reported in the literature. This variant is reported in 0.0084% of alleles in individuals of Latino descent in gnomAD. At this time, the clinical significance of this variant is uncertain due to the absence of conclusive functional and genetic evidence.

GeneDx
Classification: Uncertain significance. Last evaluated: 2019-06-03. Review status: criteria provided, single submitter. Criteria: GeneDx Variant Classification Process June 2021. Collection method: clinical testing. Allele origin: germline. Affected: yes.
Comment: In silico analysis, which includes protein predictors and evolutionary conservation, supports that this variant does not alter protein structure/function; Has not been previously published as pathogenic or benign to our knowledge